The following is an entry in ClinVar:

NM_003239.5(TGFB3):c.985G>C (p.Gly329Arg)

Gene: TGFB3 (transforming growth factor beta 3; minus strand). Cytogenetic location: 14q24.3.
Variant type: single nucleotide variant.
Coding change: c.985G>C on transcript NM_003239.5 (MANE Select); coding-DNA position 985, G replaced by C.
Protein change: p.Gly329Arg; replaces glycine 329 with arginine.
Molecular consequence: missense variant.
Genome position (GRCh38, 1-based): chr14:75,961,018, C>G on the plus strand (G>C on the coding strand, the complement: TGFB3 is on the minus strand). VCF-style: chr14-75961018-C-G. GRCh37 (hg19) VCF-style: chr14-76427361-C-G.
Other names: c.985G>C, p.Gly329Arg (NM_001329939.2); short protein forms G329R.
Identifiers: ClinVar variation 2699309 (VCV002699309.3), dbSNP rs2035150012, ClinGen allele CA390467979.
Genomic context (GRCh38, chr14:75,961,018, plus strand): 5'-GGCAAGGGCCTGAGCAGAAGTTGGCATAGTAGCCCTTAGGTTCATGGACCCACTTCCAGC[C>G]CAGATCCTGTCGGAAGTCAATGTAGAGGGGGCGCACACAGCAGTTCTCCTCCAAGTTGCT-3'
Protein context (NP_003230.1, residues 319-339): PLYIDFRQDL[Gly329Arg]WKWVHEPKGY

ClinVar aggregate classification (germline): Uncertain significance (1 of 4 stars; one submission).

Conditions:
Rienhoff syndrome. Also called: LOEYS-DIETZ SYNDROME 5. Identifiers: MedGen C3810012, MONDO:0014262, OMIM 615582.

Submission:

Labcorp Genetics (formerly Invitae), Labcorp
Classification: Uncertain significance for Rienhoff syndrome. Last evaluated: 2023-11-27. Review status: criteria provided, single submitter. Criteria: Invitae Variant Classification Sherloc (09022015). Collection method: clinical testing. Allele origin: germline.
Comment: This sequence change replaces glycine, which is neutral and non-polar, with arginine, which is basic and polar, at codon 329 of the TGFB3 protein (p.Gly329Arg). This variant is not present in population databases (gnomAD no frequency). This variant has not been reported in the literature in individuals affected with TGFB3-related conditions. Advanced modeling of protein sequence and biophysical properties (such as structural, functional, and spatial information, amino acid conservation, physicochemical variation, residue mobility, and thermodynamic stability) performed at Invitae indicates that this missense variant is not expected to disrupt TGFB3 protein function with a negative predictive value of 80%. In summary, the available evidence is currently insufficient to determine the role of this variant in disease. Therefore, it has been classified as a Variant of Uncertain Significance.